The following is an entry in ClinVar:

NM_014915.3(ANKRD26):c.1297T>C (p.Tyr433His)

Gene: ANKRD26 (ankyrin repeat domain 26; minus strand). Cytogenetic location: 10p12.1.
Variant type: single nucleotide variant.
Coding change: c.1297T>C on transcript NM_014915.3 (MANE Select); coding-DNA position 1297, T replaced by C.
Protein change: p.Tyr433His; replaces tyrosine 433 with histidine.
Molecular consequence: missense variant.
Genome position (GRCh38, 1-based): chr10:27,064,054, A>G on the plus strand (T>C on the coding strand, the complement: ANKRD26 is on the minus strand). VCF-style: chr10-27064054-A-G. GRCh37 (hg19) VCF-style: chr10-27352983-A-G.
Other names: c.1297T>C, p.Tyr433His (NM_001256053.2); short protein forms Y433H.
Identifiers: ClinVar variation 4580388 (VCV004580388.1).

ClinVar aggregate classification (germline): Uncertain significance (1 of 4 stars; one submission).

Conditions:
Inborn genetic diseases. Identifiers: MedGen C0950123, MeSH D030342.

gnomAD v4.1: 1 of 1,611,258 alleles (0.000062%); no homozygotes.

Submission:

Ambry Genetics
Classification: Uncertain significance for Inborn genetic diseases. Last evaluated: 2025-12-07. Review status: criteria provided, single submitter. Criteria: Ambry Variant Classification Scheme 2023. Collection method: clinical testing. Allele origin: germline.
Comment: The p.Y433H variant (also known as c.1297T>C), located in coding exon 12 of the ANKRD26 gene, results from a T to C substitution at nucleotide position 1297. The tyrosine at codon 433 is replaced by histidine, an amino acid with similar properties. This amino acid position is conserved. In addition, this alteration is predicted to be tolerated by in silico analysis. Based on the available evidence, the clinical significance of this variant remains unclear.